The following is an entry in ClinVar:

NM_000321.3(RB1):c.719-2A>T

Gene: RB1 (RB transcriptional corepressor 1; plus strand). Cytogenetic location: 13q14.2.
Variant type: single nucleotide variant.
Coding change: c.719-2A>T on transcript NM_000321.3 (MANE Select); the canonical splice acceptor site of the intron before coding-DNA position 719, A replaced by T.
Molecular consequence: splice acceptor variant.
Genome position (GRCh38, 1-based): chr13:48,362,813, A>T. VCF-style: chr13-48362813-A-T. GRCh37 (hg19) VCF-style: chr13-48936949-A-T.
Other names: c.719-2A>T (NM_001407165.1, NM_001407166.1).
Identifiers: ClinVar variation 930577 (VCV000930577.3), dbSNP rs1952654925, ClinGen allele CA388159204.

ClinVar aggregate classification (germline): Likely pathogenic (1 of 4 stars; one submission).

Conditions:
Retinoblastoma (RB1). Also called: RETINOBLASTOMA, SOMATIC. Identifiers: Orphanet 790, MedGen C0035335, MeSH D012175, MONDO:0008380, OMIM 180200, HP:0009919. Disease mechanism: loss of function. Inheritance: Both sporadic and heritable forms are tested..

Submission:

Centre for Mendelian Genomics, University Medical Centre Ljubljana
Classification: Likely pathogenic for Retinoblastoma. Last evaluated: 2019-10-03. Review status: criteria provided, single submitter. Criteria: ACMG Guidelines, 2015. Collection method: clinical testing. Allele origin: unknown. Affected: yes.
Comment: This variant was classified as: Likely pathogenic. The following ACMG criteria were applied in classifying this variant: PVS1,PM2.